The following is an entry in ClinVar:

NM_152490.5(B3GALNT2):c.1371C>T (p.Asp457=)

Genes: B3GALNT2 (beta-1,3-N-acetylgalactosaminyltransferase 2; minus strand), TBCE (tubulin folding cofactor E; plus strand). Cytogenetic location: 1q42.3.
Variant type: single nucleotide variant.
Coding change: c.1371C>T on transcript NM_152490.5 (MANE Select); coding-DNA position 1371, C replaced by T.
Protein change: p.Asp457=; no amino-acid change (aspartic acid 457 retained).
Molecular consequence: synonymous variant. On other transcripts: 3 prime UTR variant (4).
Genome position (GRCh38, 1-based): chr1:235,450,338, G>A on the plus strand (C>T on the coding strand, the complement: B3GALNT2 is on the minus strand). VCF-style: chr1-235450338-G-A. GRCh37 (hg19) VCF-style: chr1-235613653-G-A.
Other names: c.*1576G>A (NM_001079515.3, NM_001287801.2, NM_001287802.2 and 1 more transcripts); c.1371C>T (NM_152490.4).
Identifiers: ClinVar variation 1552163 (VCV001552163.9), dbSNP rs200368164, ClinGen allele CA1464599.

ClinVar aggregate classification (germline): Likely benign. Review status: criteria provided, multiple submitters, no conflicts (2 of 4 stars). 2 submissions from 2 submitters: Likely benign (2). Last evaluated 2025-10-17.

Conditions:
B3GALNT2-related disorder. Also called: B3GALNT2-related condition.
Muscular dystrophy-dystroglycanopathy (congenital with brain and eye anomalies), type a, 11 (MDDGA11). Also called: Congenital muscular dystrophy-dystroglycanopathy with brain and eye anomalies, type A11; WALKER-WARBURG SYNDROME OR MUSCLE-EYE-BRAIN DISEASE, B3GALNT2-RELATED; Muscular dystrophy-dystroglycanopathy (congenital with brain and eye anomalies, type A, 11. Identifiers: Orphanet 588, Orphanet 899, MedGen C3554638, MONDO:0014071, OMIM 615181.

Allele frequency attached by ClinVar (database versions not stated): TOPMed below 0.00001; gnomAD 0.00001; ExAC 0.00002; gnomAD exomes 0.00002.
gnomAD v4.1: 27 of 1,613,774 alleles (0.0017%); highest among the groups gnomAD compares: South Asian, 0.0055%; no homozygotes.

Submissions (2):

PreventionGenetics, part of Exact Sciences
Classification: Likely benign for B3GALNT2-related condition. Last evaluated: 2025-10-17. Review status: criteria provided, single submitter. Criteria: ACMG Guidelines, 2015. Collection method: clinical testing. Allele origin: germline.
Comment: This variant is classified as likely benign based on ACMG/AMP sequence variant interpretation guidelines (Richards et al. 2015 PMID: 25741868, with internal and published modifications).

Labcorp Genetics (formerly Invitae), Labcorp
Classification: Likely benign for Muscular dystrophy-dystroglycanopathy (congenital with brain and eye anomalies), type a, 11. Last evaluated: 2024-06-16. Review status: criteria provided, single submitter. Criteria: Invitae Variant Classification Sherloc (09022015). Collection method: clinical testing. Allele origin: germline.